The following is an entry in ClinVar:

ClinVar aggregate classification (germline): Pathogenic (1 of 4 stars; one submission).

Conditions:
Hypertrophic cardiomyopathy. Also called: HYPERTROPHIC MYOCARDIOPATHY. Identifiers: Orphanet 217569, MedGen C0007194, MeSH D002312, MONDO:0005045, HP:0001639.

Submission:

Labcorp Genetics (formerly Invitae), Labcorp
Classification: Pathogenic for Hypertrophic cardiomyopathy. Last evaluated: 2024-01-24. Review status: criteria provided, single submitter. Criteria: Invitae Variant Classification Sherloc (09022015). Collection method: clinical testing. Allele origin: germline.
Comment: This sequence change creates a premature translational stop signal (p.Ser86Profs*10) in the MYBPC3 gene. It is expected to result in an absent or disrupted protein product. Loss-of-function variants in MYBPC3 are known to be pathogenic (PMID: 19574547). This variant is not present in population databases (gnomAD no frequency). This variant has not been reported in the literature in individuals affected with MYBPC3-related conditions. For these reasons, this variant has been classified as Pathogenic.

Literature cited by the submitters: PubMed 19574547.

NM_000256.3(MYBPC3):c.256del (p.Ser86fs)

Gene: MYBPC3 (myosin binding protein C3; minus strand). Cytogenetic location: 11p11.2.
Variant type: Deletion.
Coding change: c.256del on transcript NM_000256.3 (MANE Select); coding-DNA position 256, one base deleted (T; older notation c.256delT).
Protein change: p.Ser86fs; shifts the reading frame from serine 86.
Molecular consequence: frameshift variant.
Genome position (GRCh38, 1-based): chr11:47,351,275, A deleted on the plus strand (T on the coding strand, the reverse complement: MYBPC3 is on the minus strand). VCF-style (leftmost placement, unchanged base first): chr11-47351274-GA-G. GRCh37 (hg19) VCF-style: chr11-47372825-GA-G.
Other names: short protein forms S86fs.
Identifiers: ClinVar variation 2704454 (VCV002704454.3), dbSNP rs2495785783, ClinGen allele CA2697548562.